The following is an entry in ClinVar:

ClinVar aggregate classification (germline): Uncertain significance (1 of 4 stars; one submission).

Conditions:
Emery-Dreifuss muscular dystrophy 5, autosomal dominant (EDMD5). Also called: EMERY-DREIFUSS MUSCULAR DYSTROPHY 5. Identifiers: Orphanet 261, MedGen C2751805, MONDO:0013072, OMIM 612999.

Allele frequency attached by ClinVar (database versions not stated): gnomAD exomes below 0.00001.
gnomAD v4.1: 2 of 1,614,198 alleles (0.00012%); highest among the groups gnomAD compares: Admixed American, 0.0033%; no homozygotes.

Submission:

Labcorp Genetics (formerly Invitae), Labcorp
Classification: Uncertain significance for Emery-Dreifuss muscular dystrophy 5, autosomal dominant. Last evaluated: 2022-06-20. Review status: criteria provided, single submitter. Criteria: Invitae Variant Classification Sherloc (09022015). Collection method: clinical testing. Allele origin: germline.
Comment: In summary, the available evidence is currently insufficient to determine the role of this variant in disease. Therefore, it has been classified as a Variant of Uncertain Significance. Algorithms developed to predict the effect of missense changes on protein structure and function output the following: SIFT: "Tolerated"; PolyPhen-2: "Benign"; Align-GVGD: "Class C0". The valine amino acid residue is found in multiple mammalian species, which suggests that this missense change does not adversely affect protein function. ClinVar contains an entry for this variant (Variation ID: 645431). This variant has not been reported in the literature in individuals affected with SYNE2-related conditions. This variant is not present in population databases (gnomAD no frequency). This sequence change replaces isoleucine, which is neutral and non-polar, with valine, which is neutral and non-polar, at codon 5606 of the SYNE2 protein (p.Ile5606Val).

NM_182914.3(SYNE2):c.16816A>G (p.Ile5606Val)

Gene: SYNE2 (spectrin repeat containing nuclear envelope protein 2; plus strand). Cytogenetic location: 14q23.2.
Variant type: single nucleotide variant.
Coding change: c.16816A>G on transcript NM_182914.3 (MANE Select); coding-DNA position 16816, A replaced by G.
Protein change: p.Ile5606Val; replaces isoleucine 5606 with valine.
Molecular consequence: missense variant.
Genome position (GRCh38, 1-based): chr14:64,167,550, A>G. VCF-style: chr14-64167550-A-G. GRCh37 (hg19) VCF-style: chr14-64634268-A-G.
Other names: c.16816A>G, p.Ile5606Val (NM_015180.6); short protein forms I5606V.
Identifiers: ClinVar variation 645431 (VCV000645431.8), dbSNP rs1595946488, ClinGen allele CA389967090.